The following is an entry in ClinVar:

ClinVar aggregate classification (germline): Uncertain significance (1 of 4 stars; one submission).

Conditions:
Hypertrophic cardiomyopathy. Also called: HYPERTROPHIC MYOCARDIOPATHY. Identifiers: Orphanet 217569, MedGen C0007194, MeSH D002312, MONDO:0005045, HP:0001639.

Submission:

Labcorp Genetics (formerly Invitae), Labcorp
Classification: Uncertain significance for Hypertrophic cardiomyopathy. Last evaluated: 2019-02-04. Review status: criteria provided, single submitter. Criteria: Invitae Variant Classification Sherloc (09022015). Collection method: clinical testing. Allele origin: germline.
Comment: In summary, the available evidence is currently insufficient to determine the role of this variant in disease. Therefore, it has been classified as a Variant of Uncertain Significance. This variant is found within a region of MYH7 between codons 181 and 937 that contains the majority of the myosin head domain. Missense variants in this region have been shown to be significantly overrepresented in individuals with hypertrophic cardiomyopathy (PMID: 27532257). Algorithms developed to predict the effect of missense changes on protein structure and function (SIFT, PolyPhen-2, Align-GVGD) all suggest that this variant is likely to be disruptive, but these predictions have not been confirmed by published functional studies and their clinical significance is uncertain. This variant has not been reported in the literature in individuals with MYH7-related conditions. This variant is not present in population databases (ExAC no frequency). This sequence change replaces isoleucine with asparagine at codon 704 of the MYH7 protein (p.Ile704Asn). The isoleucine residue is highly conserved and there is a large physicochemical difference between isoleucine and asparagine.

Literature cited by the submitters: PubMed 27532257.

NM_000257.4(MYH7):c.2111T>A (p.Ile704Asn)

Gene: MYH7 (myosin heavy chain 7; minus strand). Cytogenetic location: 14q11.2.
Variant type: single nucleotide variant.
Coding change: c.2111T>A on transcript NM_000257.4 (MANE Select); coding-DNA position 2111, T replaced by A.
Protein change: p.Ile704Asn; replaces isoleucine 704 with asparagine.
Molecular consequence: missense variant.
Genome position (GRCh38, 1-based): chr14:23,426,015, A>T on the plus strand (T>A on the coding strand, the complement: MYH7 is on the minus strand). VCF-style: chr14-23426015-A-T. GRCh37 (hg19) VCF-style: chr14-23895224-A-T.
Other names: short protein forms I704N.
Identifiers: ClinVar variation 845928 (VCV000845928.9), dbSNP rs1892683367, ClinGen allele CA389049109.